The following is an entry in ClinVar:

ClinVar aggregate classification (germline): Uncertain significance (1 of 4 stars; one submission).

Submission:

Labcorp Genetics (formerly Invitae), Labcorp
Classification: Uncertain significance. Last evaluated: 2020-02-21. Review status: criteria provided, single submitter. Criteria: Invitae Variant Classification Sherloc (09022015). Collection method: clinical testing. Allele origin: germline.
Comment: This variant results in a copy number gain of the genomic region encompassing exons 3-15 of the CHM gene. The 5' boundary is likely confined to intron 2. The 3' end of this event is unknown as it extends beyond the assayed region for this gene and therefore may encompass additional genes. As the precise location of this event is unknown, it may be in tandem or it may be located elsewhere in the genome. This variant has not been reported in the literature in individuals with CHM-related conditions. Experimental studies and prediction algorithms are not available or were not evaluated for this variant, and the functional significance of this variant is currently unknown. In summary, the available evidence is currently insufficient to determine the role of this variant in disease. Therefore, it has been classified as a Variant of Uncertain Significance.

NC_000023.11:g.(?_85835751)_(85911338_?)dup

Gene: CHM (CHM Rab escort protein; minus strand). Cytogenetic location: Xq21.2.
Variant type: Duplication.
Identifiers: ClinVar variation 832595 (VCV000832595.2).